The following is an entry in ClinVar:

NM_001394998.1(TANC2):c.3221G>A (p.Ser1074Asn)

Genes: TANC2 (tetratricopeptide repeat, ankyrin repeat and coiled-coil containing 2; plus strand), LOC105371856 (uncharacterized LOC105371856; minus strand). Cytogenetic location: 17q23.3.
Variant type: single nucleotide variant.
Coding change: c.3221G>A on transcript NM_001394998.1 (MANE Select); coding-DNA position 3221, G replaced by A.
Protein change: p.Ser1074Asn; replaces serine 1074 with asparagine.
Molecular consequence: missense variant.
Genome position (GRCh38, 1-based): chr17:63,395,912, G>A. VCF-style: chr17-63395912-G-A. GRCh37 (hg19) VCF-style: chr17-61473273-G-A.
Other names: c.2999G>A, p.Ser1000Asn (NM_001411076.1, NM_025185.4); short protein forms S1000N, S1074N.
Identifiers: ClinVar variation 3360576 (VCV003360576.1).

ClinVar aggregate classification (germline): Uncertain significance (1 of 4 stars; one submission).

Submission:

GeneDx
Classification: Uncertain significance. Last evaluated: 2023-06-27. Review status: criteria provided, single submitter. Criteria: GeneDx Variant Classification Process June 2021. Collection method: clinical testing. Allele origin: germline. Affected: yes.
Comment: Not observed at significant frequency in large population cohorts (gnomAD); In silico analysis supports that this missense variant does not alter protein structure/function; Has not been previously published as pathogenic or benign to our knowledge